The following is an entry in ClinVar:

NM_002474.3(MYH11):c.1749+194A>G

Gene: MYH11 (myosin heavy chain 11; minus strand). Cytogenetic location: 16p13.11.
Variant type: single nucleotide variant.
Coding change: c.1749+194A>G on transcript NM_002474.3 (MANE Select); 194 bases into the intron after coding-DNA position 1749, A replaced by G.
Molecular consequence: intron variant.
Genome position (GRCh38, 1-based): chr16:15,756,147, T>C on the plus strand (A>G on the coding strand, the complement: MYH11 is on the minus strand). VCF-style: chr16-15756147-T-C. GRCh37 (hg19) VCF-style: chr16-15850004-T-C.
Other names: c.1749+194A>G (NM_022844.3); c.1770+194A>G (NM_001040114.2, NM_001040113.2).
Identifiers: ClinVar variation 672355 (VCV000672355.1), dbSNP rs62029320, ClinGen allele CA14214144.

ClinVar aggregate classification (germline): Benign (1 of 4 stars; one submission).

Allele frequency attached by ClinVar (database versions not stated): 1000 Genomes Project 30x 0.23251; TOPMed 0.23615; 1000 Genomes Project 0.23782; gnomAD 0.24186 and 0.24664.
gnomAD v4.1: 37,401 of 152,186 alleles (25%); highest among the groups gnomAD compares: East Asian, 39%; 5,198 homozygotes.

Submission:

GeneDx
Classification: Benign. Last evaluated: 2018-06-18. Review status: criteria provided, single submitter. Criteria: GeneDx Variant Classification (06012015). Collection method: clinical testing. Allele origin: germline. Affected: yes.
Comment: This variant is considered likely benign or benign based on one or more of the following criteria: it is a conservative change, it occurs at a poorly conserved position in the protein, it is predicted to be benign by multiple in silico algorithms, and/or has population frequency not consistent with disease.